The following is an entry in ClinVar:

NM_001008212.2(OPTN):c.1403T>G (p.Met468Arg)

Gene: OPTN (optineurin; plus strand). Cytogenetic location: 10p13.
Variant type: single nucleotide variant.
Coding change: c.1403T>G on transcript NM_001008212.2 (MANE Select); coding-DNA position 1403, T replaced by G.
Protein change: p.Met468Arg; replaces methionine 468 with arginine.
Molecular consequence: missense variant.
Genome position (GRCh38, 1-based): chr10:13,132,068, T>G. VCF-style: chr10-13132068-T-G. GRCh37 (hg19) VCF-style: chr10-13174068-T-G.
Other names: c.1403T>G, p.Met468Arg (NM_001008211.1, NM_001008213.1, NM_021980.4); short protein forms M468R.
Identifiers: ClinVar variation 266062 (VCV000266062.3), dbSNP rs747481280, ClinGen allele CA203270133.

ClinVar aggregate classification (germline): Conflicting classifications of pathogenicity. Review status: criteria provided, conflicting classifications (1 of 4 stars). 2 submissions from 2 submitters: Likely pathogenic (1); Uncertain significance (1). Last evaluated 2024-10-18.

Conditions:
Motor neuron disease. Also called: Degenerative motor system disease; Motor neuron disorder. Identifiers: Orphanet 98503, MedGen C0085084, MONDO:0020128.
Amyotrophic lateral sclerosis type 12 (ALS12). Also called: AMYOTROPHIC LATERAL SCLEROSIS 12 WITH OR WITHOUT FRONTOTEMPORAL DEMENTIA. Identifiers: Orphanet 803, MedGen C3150692, MONDO:0013264, OMIM 613435.
Glaucoma 1, open angle, E. Identifiers: MedGen C1842026, MONDO:0007665.
Primary open angle glaucoma (POAG). Also called: OPTN-related open angle glaucoma. Identifiers: MedGen C0339573, MONDO:0100553, OMIM 137760.

Allele frequency attached by ClinVar (database versions not stated): gnomAD exomes 0.00001.
gnomAD v4.1: 9 of 1,612,248 alleles (0.00056%); highest among the groups gnomAD compares: Non-Finnish European, 0.00076%; no homozygotes.

Submissions (2):

Labcorp Genetics (formerly Invitae), Labcorp
Classification: Uncertain significance for Primary open angle glaucoma; Glaucoma 1, open angle, E; Amyotrophic lateral sclerosis type 12. Last evaluated: 2024-10-18. Review status: criteria provided, single submitter. Criteria: Invitae Variant Classification Sherloc (09022015). Collection method: clinical testing. Allele origin: germline.
Comment: This sequence change replaces methionine, which is neutral and non-polar, with arginine, which is basic and polar, at codon 468 of the OPTN protein (p.Met468Arg). This variant is present in population databases (rs747481280, gnomAD 0.002%). This missense change has been observed in individual(s) with amyotrophic lateral sclerosis (PMID: 28089114, 29080331). ClinVar contains an entry for this variant (Variation ID: 266062). An algorithm developed to predict the effect of missense changes on protein structure and function (PolyPhen-2) suggests that this variant is likely to be disruptive. In summary, the available evidence is currently insufficient to determine the role of this variant in disease. Therefore, it has been classified as a Variant of Uncertain Significance.

Centre for Genomic and Experimental Medicine, University of Edinburgh
Classification: Likely pathogenic for Motor neuron disease. Last evaluated: 2016-08-31. Review status: criteria provided, single submitter. Criteria: Submitter's publication. Collection method: case-control. Allele origin: unknown. Affected: yes. Observed: 2 heterozygotes.

Literature cited by the submitters: PubMed 28089114 (cited by Labcorp Genetics (formerly Invitae), Labcorp and Centre for Genomic and Experimental Medicine, University of Edinburgh); PubMed 29080331 (cited by Labcorp Genetics (formerly Invitae), Labcorp).